The following is an entry in ClinVar:

NM_001287.6(CLCN7):c.1194G>C (p.Trp398Cys)

Gene: CLCN7 (chloride voltage-gated channel 7; minus strand). Cytogenetic location: 16p13.3.
Variant type: single nucleotide variant.
Coding change: c.1194G>C on transcript NM_001287.6 (MANE Select); coding-DNA position 1194, G replaced by C.
Protein change: p.Trp398Cys; replaces tryptophan 398 with cysteine.
Molecular consequence: missense variant.
Genome position (GRCh38, 1-based): chr16:1,453,854, C>G on the plus strand (G>C on the coding strand, the complement: CLCN7 is on the minus strand). VCF-style: chr16-1453854-C-G. GRCh37 (hg19) VCF-style: chr16-1503855-C-G.
Other names: c.1122G>C, p.Trp374Cys (NM_001114331.3); short protein forms W398C, W374C.
Identifiers: ClinVar variation 4723481 (VCV004723481.1).

ClinVar aggregate classification (germline): Uncertain significance (1 of 4 stars; one submission).

gnomAD v4.1: 1 of 1,613,422 alleles (0.000062%); highest among the groups gnomAD compares: African/African-American, 0.0013%; no homozygotes.

Submission:

Labcorp Genetics (formerly Invitae), Labcorp
Classification: Uncertain significance. Last evaluated: 2025-07-21. Review status: criteria provided, single submitter. Criteria: Invitae Variant Classification Sherloc (09022015). Collection method: clinical testing. Allele origin: germline.
Comment: This sequence change replaces tryptophan, which is neutral and slightly polar, with cysteine, which is neutral and slightly polar, at codon 398 of the CLCN7 protein (p.Trp398Cys). This variant is present in population databases (rs757198557, gnomAD 0.007%). This variant has not been reported in the literature in individuals affected with CLCN7-related conditions. An algorithm developed to predict the effect of missense changes on protein structure and function (PolyPhen-2) suggests that this variant is likely to be tolerated. In summary, the available evidence is currently insufficient to determine the role of this variant in disease. Therefore, it has been classified as a Variant of Uncertain Significance.